The following is an entry in ClinVar:

ClinVar aggregate classification (germline): Likely pathogenic (1 of 4 stars; one submission).

Conditions:
Glutaric acidemia type 2A.

Submission:

Natera, Inc.
Classification: Likely pathogenic for Glutaric acidemia type 2A. Last evaluated: 2024-09-23. Review status: criteria provided, single submitter. Criteria: Natera Variant Classification Schema (03/2026). Collection method: clinical testing. Allele origin: germline.
Comment: The c.694_698del variant in ETFA is a frameshift variant predicted to shift the reading frame beginning at codon 232 and leads to a stop codon 3 codons downstream. This variant is expected to result in nonsense mediated decay, truncation, or a dysfunctional protein product. This variant is rare in the general population with a frequency below the threshold expected for the associated phenotype(s). Given the available evidence, this variant is classified as Likely Pathogenic.

NM_000126.4(ETFA):c.694_698del (p.Lys232fs)

Gene: ETFA (electron transfer flavoprotein subunit alpha; minus strand). Cytogenetic location: 15q24.2.
Variant type: Deletion.
Coding change: c.694_698del on transcript NM_000126.4 (MANE Select); coding-DNA positions 694 to 698, 5 bases deleted (AAGTT; older notation c.694_698delAAGTT).
Protein change: p.Lys232fs; shifts the reading frame from lysine 232.
Molecular consequence: frameshift variant.
Genome position (GRCh38, 1-based): chr15:76,283,792-76,283,796, AACTT deleted on the plus strand (AAGTT on the coding strand, the reverse complement: ETFA is on the minus strand); deleting any 5 consecutive bases within chr15:76,283,792-76,283,798 gives the same sequence; the c. name uses the placement nearest the transcript's 3' end. VCF-style (leftmost placement, unchanged base first): chr15-76283791-CAACTT-C. GRCh37 (hg19) VCF-style: chr15-76576132-CAACTT-C.
Other names: c.547_551del, p.Lys183fs (NM_001127716.2); short protein forms K183fs, K232fs.
Identifiers: ClinVar variation 4817477 (VCV004817477.1).
Genomic context (GRCh38, chr15:76,283,791, plus strand): 5'-CTTTCTACTAAGGAAAATAACTTTACCTGCAGCATGTAGTTGATCTGCCAAGTCATATAA[CAACTT>C]AAAGTTCTCTCCACTCTTCAAGCCTCGACCTCATTTAAAAAGATGAAAAAAAAAAATTAG-3'